The following is an entry in ClinVar:

NM_032242.4(PLXNA1):c.1377+6G>A

Gene: PLXNA1 (plexin A1; plus strand). Cytogenetic location: 3q21.3.
Variant type: single nucleotide variant.
Coding change: c.1377+6G>A on transcript NM_032242.4 (MANE Select); 6 bases into the intron after coding-DNA position 1377, G replaced by A.
Molecular consequence: intron variant.
Genome position (GRCh38, 1-based): chr3:126,991,572, G>A. VCF-style: chr3-126991572-G-A. GRCh37 (hg19) VCF-style: chr3-126710415-G-A.
Identifiers: ClinVar variation 4989456 (VCV004989456.1).

ClinVar aggregate classification (germline): Likely benign (1 of 4 stars; one submission).

Conditions:
PLXNA1-related disorder. Also called: PLXNA1-related condition.

gnomAD v4.1: 74 of 1,557,422 alleles (0.0048%); highest among the groups gnomAD compares: South Asian, 0.087%; 2 homozygotes.

Submission:

PreventionGenetics, part of Exact Sciences
Classification: Likely benign for PLXNA1-related condition. Last evaluated: 2024-10-17. Review status: criteria provided, single submitter. Criteria: ACMG Guidelines, 2015. Collection method: clinical testing. Allele origin: germline.
Comment: This variant is classified as likely benign based on ACMG/AMP sequence variant interpretation guidelines (Richards et al. 2015 PMID: 25741868, with internal and published modifications).